The following is an entry in ClinVar:

NM_001655.5(ARCN1):c.267+6A>G

Gene: ARCN1 (archain 1 coat protein complex I subunit delta; plus strand). Cytogenetic location: 11q23.3.
Variant type: single nucleotide variant.
Coding change: c.267+6A>G on transcript NM_001655.5 (MANE Select); 6 bases into the intron after coding-DNA position 267, A replaced by G.
Molecular consequence: intron variant.
Genome position (GRCh38, 1-based): chr11:118,581,515, A>G. VCF-style: chr11-118581515-A-G. GRCh37 (hg19) VCF-style: chr11-118452230-A-G.
Other names: c.4-1664A>G (NM_001142281.2).
Identifiers: ClinVar variation 1928304 (VCV001928304.5), dbSNP rs1938648694, ClinGen allele CA942745736.

ClinVar aggregate classification (germline): Uncertain significance (1 of 4 stars; one submission).

Allele frequency attached by ClinVar (database versions not stated): gnomAD exomes below 0.00001; gnomAD 0.00001.

Submission:

Labcorp Genetics (formerly Invitae), Labcorp
Classification: Uncertain significance. Last evaluated: 2026-01-25. Review status: criteria provided, single submitter. Criteria: Invitae Variant Classification Sherloc (09022015). Collection method: clinical testing. Allele origin: germline.
Comment: This sequence change falls in intron 2 of the ARCN1 gene. It does not directly change the encoded amino acid sequence of the ARCN1 protein. It affects a nucleotide within the consensus splice site. This variant is not present in population databases (gnomAD no frequency). This variant has not been reported in the literature in individuals affected with ARCN1-related conditions. ClinVar contains an entry for this variant (Variation ID: 1928304). Variants that disrupt the consensus splice site are a relatively common cause of aberrant splicing (PMID: 17576681, 9536098). Algorithms developed to predict the effect of sequence changes on RNA splicing suggest that this variant is not likely to affect RNA splicing. In summary, the available evidence is currently insufficient to determine the role of this variant in disease. Therefore, it has been classified as a Variant of Uncertain Significance.

Literature cited by the submitters: PubMed 17576681; PubMed 9536098.